The following is an entry in ClinVar:

ClinVar aggregate classification (germline): Likely benign (0 of 4 stars; one submission).

Conditions:
PKD1-related disorder. Also called: PKD1-related condition.

Allele frequency attached by ClinVar (database versions not stated): gnomAD exomes 0.00001; gnomAD 0.00017.
gnomAD v4.1: 45 of 1,463,882 alleles (0.0031%); highest among the groups gnomAD compares: Admixed American, 0.065%; no homozygotes.

Submission:

PreventionGenetics, part of Exact Sciences
Classification: Likely benign for PKD1-related condition. Last evaluated: 2019-03-20. Review status: no assertion criteria provided. Collection method: clinical testing. Allele origin: germline.
Comment: This variant is classified as likely benign based on ACMG/AMP sequence variant interpretation guidelines (Richards et al. 2015 PMID: 25741868, with internal and published modifications).

NM_001009944.3(PKD1):c.462G>A (p.Thr154=)

Gene: PKD1 (polycystin 1, transient receptor potential channel interacting; minus strand). Cytogenetic location: 16p13.3.
Variant type: single nucleotide variant.
Coding change: c.462G>A on transcript NM_001009944.3 (MANE Select); coding-DNA position 462, G replaced by A.
Protein change: p.Thr154=; no amino-acid change (threonine 154 retained).
Molecular consequence: synonymous variant.
Genome position (GRCh38, 1-based): chr16:2,118,743, C>T on the plus strand (G>A on the coding strand, the complement: PKD1 is on the minus strand). VCF-style: chr16-2118743-C-T. GRCh37 (hg19) VCF-style: chr16-2168744-C-T.
Other names: c.462G>A, p.Thr154= (NM_000296.4).
Identifiers: ClinVar variation 3057891 (VCV003057891.2), dbSNP rs1273285764, ClinGen allele CA493050612.
Genomic context (GRCh38, chr16:2,118,743, plus strand): 5'-ACTGTCCAGCAAGGGGATGCCAAGCAGAGGCTGGCCAGCCAGGGAGCCAGGCCCAGCACA[C>T]GTGGCTGCCTCGGGCTGCACCACCCGCACCTGCTGCTCCTCCGCCCATCGCGGCAGCCAC-3'
Protein context (NP_001009944.3, residues 144-164): QVRVVQPEAA[Thr154=]CAGPGSLAGQ